The following is an entry in ClinVar:

ClinVar aggregate classification (germline): Benign (0 of 4 stars; one submission).

Conditions:
ATP2A3-related disorder. Also called: ATP2A3-related condition.

Allele frequency attached by ClinVar (database versions not stated): gnomAD exomes 0.00589; ExAC 0.02042; gnomAD 0.06098; 1000 Genomes Project 0.06589; TOPMed 0.06820; ESP Exome Variant Server 0.07066; 1000 Genomes Project 30x 0.07277.
gnomAD v4.1: 18,231 of 1,613,848 alleles (1.1%); highest among the groups gnomAD compares: African/African-American, 21%; 1,741 homozygotes.

Submission:

PreventionGenetics, part of Exact Sciences
Classification: Benign for ATP2A3-related condition. Last evaluated: 2019-09-24. Review status: no assertion criteria provided. Collection method: clinical testing. Allele origin: germline.
Comment: This variant is classified as benign based on ACMG/AMP sequence variant interpretation guidelines (Richards et al. 2015 PMID: 25741868, with internal and published modifications).

NM_005173.4(ATP2A3):c.2659G>A (p.Asp887Asn)

Gene: ATP2A3 (ATPase sarcoplasmic/endoplasmic reticulum Ca2+ transporting 3; minus strand). Cytogenetic location: 17p13.2.
Variant type: single nucleotide variant.
Coding change: c.2659G>A on transcript NM_005173.4 (MANE Select); coding-DNA position 2659, G replaced by A.
Protein change: p.Asp887Asn; replaces aspartic acid 887 with asparagine.
Molecular consequence: missense variant.
Genome position (GRCh38, 1-based): chr17:3,930,386, C>T on the plus strand (G>A on the coding strand, the complement: ATP2A3 is on the minus strand). VCF-style: chr17-3930386-C-T. GRCh37 (hg19) VCF-style: chr17-3833680-C-T.
Other names: c.2659G>A, p.Asp887Asn (NM_174953.3, NM_174954.3, NM_174955.3 and 3 more transcripts); short protein forms D887N.
Identifiers: ClinVar variation 3057024 (VCV003057024.2), dbSNP rs73330907, ClinGen allele CA8296781.